The following is an entry in ClinVar:

ClinVar aggregate classification (germline): Uncertain significance (1 of 4 stars; one submission).

Conditions:
Myofibrillar myopathy 3 (MFM3). Also called: Autosomal dominant spheroid body myopathy; Muscular dystrophy, proximal, type 1A. Identifiers: Orphanet 266, Orphanet 268129, MedGen C3714934, MONDO:0012215, OMIM 609200.

Submission:

Labcorp Genetics (formerly Invitae), Labcorp
Classification: Uncertain significance for Myofibrillar myopathy 3. Last evaluated: 2022-09-07. Review status: criteria provided, single submitter. Criteria: Invitae Variant Classification Sherloc (09022015). Collection method: clinical testing. Allele origin: germline.
Comment: This sequence change replaces arginine, which is basic and polar, with leucine, which is neutral and non-polar, at codon 485 of the MYOT protein (p.Arg485Leu). This variant is not present in population databases (gnomAD no frequency). This variant has not been reported in the literature in individuals affected with MYOT-related conditions. Algorithms developed to predict the effect of missense changes on protein structure and function are either unavailable or do not agree on the potential impact of this missense change (SIFT: "Tolerated"; PolyPhen-2: "Possibly Damaging"; Align-GVGD: "Class C0"). In summary, the available evidence is currently insufficient to determine the role of this variant in disease. Therefore, it has been classified as a Variant of Uncertain Significance.

NM_006790.3(MYOT):c.1454G>T (p.Arg485Leu)

Genes: MYOT (myotilin; plus strand), PKD2L2-DT (PKD2L2 divergent transcript; minus strand). Cytogenetic location: 5q31.2.
Variant type: single nucleotide variant.
Coding change: c.1454G>T on transcript NM_006790.3 (MANE Select); coding-DNA position 1454, G replaced by T.
Protein change: p.Arg485Leu; replaces arginine 485 with leucine.
Molecular consequence: missense variant.
Genome position (GRCh38, 1-based): chr5:137,887,342, G>T. VCF-style: chr5-137887342-G-T. GRCh37 (hg19) VCF-style: chr5-137223031-G-T.
Other names: c.902G>T, p.Arg301Leu (NM_001135940.2); c.1109G>T, p.Arg370Leu (NM_001300911.2); short protein forms R301L, R370L, R485L.
Identifiers: ClinVar variation 1715301 (VCV001715301.6), dbSNP rs878976149, ClinGen allele CA361056964.